The following is an entry in ClinVar:

NM_000368.5(TSC1):c.423A>G (p.Pro141=)

Gene: TSC1 (TSC complex subunit 1; minus strand). Cytogenetic location: 9q34.13.
Variant type: single nucleotide variant.
Coding change: c.423A>G on transcript NM_000368.5 (MANE Select); coding-DNA position 423, A replaced by G.
Protein change: p.Pro141=; no amino-acid change (proline 141 retained).
Molecular consequence: synonymous variant.
Genome position (GRCh38, 1-based): chr9:132,923,433, T>C on the plus strand (A>G on the coding strand, the complement: TSC1 is on the minus strand). VCF-style: chr9-132923433-T-C. GRCh37 (hg19) VCF-style: chr9-135798820-T-C.
Other names: c.423A>G, p.Pro141= (NM_001162426.2); c.270A>G, p.Pro90= (NM_001162427.2); c.60A>G, p.Pro20= (NM_001362177.2).
Identifiers: ClinVar variation 1145459 (VCV001145459.12), dbSNP rs1846677189, ClinGen allele CA467593979.

ClinVar aggregate classification (germline): Benign/Likely benign. Review status: criteria provided, multiple submitters, no conflicts (2 of 4 stars). 3 submissions from 3 submitters: Benign (1); Likely benign (2). Last evaluated 2025-04-08.

Conditions:
Tuberous sclerosis 1 (TSC1). Identifiers: Orphanet 805, MedGen C1854465, MONDO:0008612, OMIM 191100.
Hereditary cancer-predisposing syndrome. Also called: Hereditary neoplastic syndrome; Tumor predisposition; Neoplastic Syndromes, Hereditary; Hereditary Cancer Syndrome. Identifiers: Orphanet 140162, MedGen C0027672, MeSH D009386, MONDO:0015356.

Allele frequency attached by ClinVar (database versions not stated): TOPMed below 0.00001.

Submissions (3):

Myriad Genetics, Inc.
Classification: Benign for Tuberous sclerosis 1. Last evaluated: 2025-04-08. Review status: criteria provided, single submitter. Criteria: Myriad Autosomal Dominant, Autosomal Recessive and X-Linked Classification Criteria (2023). Collection method: clinical testing. Allele origin: unknown.
Comment: This variant is considered benign. This variant is a silent/synonymous amino acid change and it is not expected to impact splicing.

Labcorp Genetics (formerly Invitae), Labcorp
Classification: Likely benign for Tuberous sclerosis 1. Last evaluated: 2024-08-12. Review status: criteria provided, single submitter. Criteria: Invitae Variant Classification Sherloc (09022015). Collection method: clinical testing. Allele origin: germline.

Ambry Genetics
Classification: Likely benign for Hereditary cancer-predisposing syndrome. Last evaluated: 2022-07-27. Review status: criteria provided, single submitter. Criteria: Ambry Variant Classification Scheme 2023. Collection method: clinical testing. Allele origin: germline.